The following is an entry in ClinVar:

NM_015164.4(PLEKHM2):c.1303C>A (p.Gln435Lys)

Gene: PLEKHM2 (pleckstrin homology and RUN domain containing M2; plus strand). Cytogenetic location: 1p36.21.
Variant type: single nucleotide variant.
Coding change: c.1303C>A on transcript NM_015164.4 (MANE Select); coding-DNA position 1303, C replaced by A.
Protein change: p.Gln435Lys; replaces glutamine 435 with lysine.
Molecular consequence: missense variant.
Genome position (GRCh38, 1-based): chr1:15,727,375, C>A. VCF-style: chr1-15727375-C-A. GRCh37 (hg19) VCF-style: chr1-16053870-C-A.
Other names: short protein forms Q435K.
Identifiers: ClinVar variation 1062124 (VCV001062124.9), dbSNP rs748386047, ClinGen allele CA338586571.

ClinVar aggregate classification (germline): Uncertain significance (1 of 4 stars; one submission).

gnomAD v4.1: 5 of 1,602,432 alleles (0.00031%); highest among the groups gnomAD compares: Non-Finnish European, 0.00043%; no homozygotes.

Submission:

Labcorp Genetics (formerly Invitae), Labcorp
Classification: Uncertain significance. Last evaluated: 2020-04-21. Review status: criteria provided, single submitter. Criteria: Invitae Variant Classification Sherloc (09022015). Collection method: clinical testing. Allele origin: germline.
Comment: This sequence change replaces glutamine with lysine at codon 435 of the PLEKHM2 protein (p.Gln435Lys). The glutamine residue is highly conserved and there is a small physicochemical difference between glutamine and lysine. This variant is not present in population databases (ExAC no frequency). This variant has not been reported in the literature in individuals with PLEKHM2-related conditions. Algorithms developed to predict the effect of missense changes on protein structure and function are either unavailable or do not agree on the potential impact of this missense change (SIFT: "Deleterious"; PolyPhen-2: "Benign"; Align-GVGD: "Class C45"). In summary, the available evidence is currently insufficient to determine the role of this variant in disease. Therefore, it has been classified as a Variant of Uncertain Significance.